The following is an entry in ClinVar:

ClinVar aggregate classification (germline): Uncertain significance (1 of 4 stars; one submission).

Conditions:
Hereditary cancer-predisposing syndrome. Also called: Hereditary Cancer Syndrome; Neoplastic Syndromes, Hereditary; Tumor predisposition; Hereditary neoplastic syndrome. Identifiers: Orphanet 140162, MedGen C0027672, MeSH D009386, MONDO:0015356.

Submission:

Ambry Genetics
Classification: Uncertain significance for Hereditary cancer-predisposing syndrome. Last evaluated: 2026-09-05. Review status: criteria provided, single submitter. Criteria: Ambry Variant Classification Scheme 2023. Collection method: clinical testing. Allele origin: germline.
Comment: The p.C1535S variant (also known as c.4603T>A), located in coding exon 22 of the DICER1 gene, results from a T to A substitution at nucleotide position 4603. The cysteine at codon 1535 is replaced by serine, an amino acid with dissimilar properties. This amino acid position is conserved. In addition, this alteration is predicted to be deleterious by in silico analysis. Based on the available evidence, the clinical significance of this variant remains unclear.

NM_177438.3(DICER1):c.4603T>A (p.Cys1535Ser)

Gene: DICER1 (dicer 1, ribonuclease III; minus strand). Cytogenetic location: 14q32.13.
Variant type: single nucleotide variant.
Coding change: c.4603T>A on transcript NM_177438.3 (MANE Select); coding-DNA position 4603, T replaced by A.
Protein change: p.Cys1535Ser; replaces cysteine 1535 with serine.
Molecular consequence: missense variant. On other transcripts: non-coding transcript variant (6).
Genome position (GRCh38, 1-based): chr14:95,096,317, A>T on the plus strand (T>A on the coding strand, the complement: DICER1 is on the minus strand). VCF-style: chr14-95096317-A-T. GRCh37 (hg19) VCF-style: chr14-95562654-A-T.
Other names: c.4036T>A, p.Cys1346Ser (NM_001395691.1); c.4603T>A, p.Cys1535Ser (NM_001395692.1, NM_001395693.1, NM_001395694.1 and 12 more transcripts); c.4198T>A, p.Cys1400Ser (NM_001395696.1, NM_001395687.1, NM_001395688.1 and 2 more transcripts); c.2920T>A, p.Cys974Ser (NM_001395697.1); c.4321T>A, p.Cys1441Ser (NM_001395686.1); short protein forms C1346S, C1441S, C1400S, C1535S, C974S.
Identifiers: ClinVar variation 5035336 (VCV005035336.1).
Genomic context (GRCh38, chr14:95,096,317, plus strand): 5'-CAATACACTGCTCAGTGTGCAAGTCGTAAGAAATGGACTGCTTTCCCGTGTCAACACCAC[A>T]GTTTTCTTCTGATGGATTCCAGAACCCCACCACAAAGTCATCTTCTTCAACAGCTTTGCT-3'
Protein context (NP_803187.1, residues 1525-1545): VGFWNPSEEN[Cys1535Ser]GVDTGKQSIS